The following is an entry in ClinVar:

ClinVar aggregate classification (germline): Uncertain significance (1 of 4 stars; one submission).

Conditions:
Neuroblastoma, susceptibility to, 3. Also called: ALK-Related Neuroblastic Tumor Susceptibility. Identifiers: Orphanet 635, MedGen C2751681, MONDO:0013083, OMIM 613014.

Submission:

Labcorp Genetics (formerly Invitae), Labcorp
Classification: Uncertain significance for Neuroblastoma, susceptibility to, 3. Last evaluated: 2025-07-06. Review status: criteria provided, single submitter. Criteria: Invitae Variant Classification Sherloc (09022015). Collection method: clinical testing. Allele origin: germline.
Comment: This sequence change replaces glutamic acid, which is acidic and polar, with valine, which is neutral and non-polar, at codon 1241 of the ALK protein (p.Glu1241Val). This variant is not present in population databases (gnomAD no frequency). This variant has not been reported in the literature in individuals affected with ALK-related conditions. An algorithm developed to predict the effect of missense changes on protein structure and function (PolyPhen-2) suggests that this variant is likely to be disruptive. In summary, the available evidence is currently insufficient to determine the role of this variant in disease. Therefore, it has been classified as a Variant of Uncertain Significance.

NM_004304.5(ALK):c.3722A>T (p.Glu1241Val)

Gene: ALK (ALK receptor tyrosine kinase; minus strand). Cytogenetic location: 2p23.2.
Variant type: single nucleotide variant.
Coding change: c.3722A>T on transcript NM_004304.5 (MANE Select); coding-DNA position 3722, A replaced by T.
Protein change: p.Glu1241Val; replaces glutamic acid 1241 with valine.
Molecular consequence: missense variant.
Genome position (GRCh38, 1-based): chr2:29,214,005, T>A on the plus strand (A>T on the coding strand, the complement: ALK is on the minus strand). VCF-style: chr2-29214005-T-A. GRCh37 (hg19) VCF-style: chr2-29436871-T-A.
Other names: c.518A>T, p.Glu173Val (NM_001353765.2); short protein forms E173V, E1241V.
Identifiers: ClinVar variation 4713768 (VCV004713768.1).